The following is an entry in ClinVar:

NM_000321.3(RB1):c.1053del (p.Phe351fs)

Gene: RB1 (RB transcriptional corepressor 1; plus strand). Cytogenetic location: 13q14.2.
Variant type: Deletion.
Coding change: c.1053del on transcript NM_000321.3 (MANE Select); coding-DNA position 1053, one base deleted (T; older notation c.1053delT).
Protein change: p.Phe351fs; shifts the reading frame from phenylalanine 351.
Molecular consequence: frameshift variant.
Genome position (GRCh38, 1-based): chr13:48,368,530, T deleted; the last of 4 consecutive T bases (chr13:48,368,527-48,368,530); deleting any one gives the same sequence. VCF-style (leftmost placement, unchanged base first): chr13-48368526-GT-G. GRCh37 (hg19) VCF-style: chr13-48942662-GT-G.
Other names: short protein forms F351fs.
Identifiers: ClinVar variation 859870 (VCV000859870.7), dbSNP rs1952726441, ClinGen allele CA916081687.

ClinVar aggregate classification (germline): Pathogenic (1 of 4 stars; one submission).

Conditions:
Retinoblastoma (RB1). Also called: RETINOBLASTOMA, SOMATIC. Identifiers: Orphanet 790, MedGen C0035335, MeSH D012175, MONDO:0008380, OMIM 180200, HP:0009919. Disease mechanism: loss of function. Inheritance: Both sporadic and heritable forms are tested..

Submission:

Labcorp Genetics (formerly Invitae), Labcorp
Classification: Pathogenic for Retinoblastoma. Last evaluated: 2019-11-21. Review status: criteria provided, single submitter. Criteria: Invitae Variant Classification Sherloc (09022015). Collection method: clinical testing. Allele origin: germline.
Comment: This sequence change creates a premature translational stop signal (p.Phe351Leufs*16) in the RB1 gene. It is expected to result in an absent or disrupted protein product. For these reasons, this variant has been classified as Pathogenic. Loss-of-function variants in RB1 are known to be pathogenic (PMID: 17096365). This variant has not been reported in the literature in individuals with RB1-related conditions. This variant is not present in population databases (ExAC no frequency).

Literature cited by the submitters: PubMed 17096365.